The following is an entry in ClinVar:

ClinVar aggregate classification (germline): Likely benign. Review status: criteria provided, multiple submitters, no conflicts (2 of 4 stars). 3 submissions from 3 submitters: Likely benign (3). Last evaluated 2025-11-05.

Allele frequency attached by ClinVar (database versions not stated): ExAC 0.00001; gnomAD exomes 0.00002 and 0.00004; gnomAD 0.00003; TOPMed 0.00003.
gnomAD v4.1: 58 of 1,613,798 alleles (0.0036%); highest among the groups gnomAD compares: Non-Finnish European, 0.0047%; no homozygotes.

Submissions (3):

Labcorp Genetics (formerly Invitae), Labcorp
Classification: Likely benign. Last evaluated: 2025-11-05. Review status: criteria provided, single submitter. Criteria: Invitae Variant Classification Sherloc (09022015). Collection method: clinical testing. Allele origin: germline.

CeGaT Center for Human Genetics Tuebingen
Classification: Likely benign. Last evaluated: 2020-09-01. Review status: criteria provided, single submitter. Criteria: CeGaT Center For Human Genetics Tuebingen Variant Classification Criteria Version 2. Collection method: clinical testing. Allele origin: germline. Affected: yes. Observed: 1 variant allele.

GeneDx
Classification: Likely benign. Last evaluated: 2017-05-18. Review status: criteria provided, single submitter. Criteria: GeneDx Variant Classification (06012015). Collection method: clinical testing. Allele origin: germline. Affected: yes.
Comment: This variant is considered likely benign or benign based on one or more of the following criteria: it is a conservative change, it occurs at a poorly conserved position in the protein, it is predicted to be benign by multiple in silico algorithms, and/or has population frequency not consistent with disease.

NM_001042545.2(LTBP4):c.3699C>T (p.Cys1233=)

Gene: LTBP4 (latent transforming growth factor beta binding protein 4; plus strand). Cytogenetic location: 19q13.2.
Variant type: single nucleotide variant.
Coding change: c.3699C>T on transcript NM_001042545.2 (MANE Select); coding-DNA position 3699, C replaced by T.
Protein change: p.Cys1233=; no amino-acid change (cysteine 1233 retained).
Molecular consequence: synonymous variant.
Genome position (GRCh38, 1-based): chr19:40,623,949, C>T. VCF-style: chr19-40623949-C-T. GRCh37 (hg19) VCF-style: chr19-41129854-C-T.
Other names: c.3900C>T, p.Cys1300= (NM_001042544.1); c.3789C>T, p.Cys1263= (NM_003573.2).
Identifiers: ClinVar variation 509687 (VCV000509687.43), dbSNP rs778594212, ClinGen allele CA9449104.
Genomic context (GRCh38, chr19:40,623,949, plus strand): 5'-GGGTGGGGAGAGTTGAAGGGGATGCCTCTTAATCATCCTCTCCCTAGACAATGACGAGTG[C>T]GCCGATGAGGAACCGGCCTGTGAGGGCGGCCGCTGTGTCAACACTGTGGGCTCTTATCAC-3'
Protein context (NP_001036010.1, residues 1223-1243): QRLECIDNDE[Cys1233=]ADEEPACEGG